The following is an entry in ClinVar:

NM_001100913.3(PACS2):c.958C>T (p.Arg320Trp)

Gene: PACS2 (phosphofurin acidic cluster sorting protein 2; plus strand). Cytogenetic location: 14q32.33.
Variant type: single nucleotide variant.
Coding change: c.958C>T on transcript NM_001100913.3 (MANE Select); coding-DNA position 958, C replaced by T.
Protein change: p.Arg320Trp; replaces arginine 320 with tryptophan.
Molecular consequence: missense variant.
Genome position (GRCh38, 1-based): chr14:105,376,924, C>T. VCF-style: chr14-105376924-C-T. GRCh37 (hg19) VCF-style: chr14-105843261-C-T.
Other names: c.958C>T, p.Arg320Trp (NM_015197.4); c.733C>T, p.Arg245Trp (NM_001243127.3); short protein forms R245W, R320W.
Identifiers: ClinVar variation 4769235 (VCV004769235.1).

ClinVar aggregate classification (germline): Uncertain significance (1 of 4 stars; one submission).

gnomAD v4.1: 3 of 1,606,036 alleles (0.00019%); highest among the groups gnomAD compares: Admixed American, 0.0017%; no homozygotes.

Submission:

Labcorp Genetics (formerly Invitae), Labcorp
Classification: Uncertain significance. Last evaluated: 2025-06-15. Review status: criteria provided, single submitter. Criteria: Invitae Variant Classification Sherloc (09022015). Collection method: clinical testing. Allele origin: germline.
Comment: This sequence change replaces arginine, which is basic and polar, with tryptophan, which is neutral and slightly polar, at codon 320 of the PACS2 protein (p.Arg320Trp). This variant is present in population databases (rs782630893, gnomAD 0.003%). This variant has not been reported in the literature in individuals affected with PACS2-related conditions. An algorithm developed to predict the effect of missense changes on protein structure and function (PolyPhen-2) suggests that this variant is likely to be disruptive. In summary, the available evidence is currently insufficient to determine the role of this variant in disease. Therefore, it has been classified as a Variant of Uncertain Significance.